The following is an entry in ClinVar:

NM_006019.4(TCIRG1):c.2398G>A (p.Ala800Thr)

Gene: TCIRG1 (T cell immune regulator 1, ATPase H+ transporting V0 subunit a3; plus strand). Cytogenetic location: 11q13.2.
Variant type: single nucleotide variant.
Coding change: c.2398G>A on transcript NM_006019.4 (MANE Select); coding-DNA position 2398, G replaced by A.
Protein change: p.Ala800Thr; replaces alanine 800 with threonine.
Molecular consequence: missense variant.
Genome position (GRCh38, 1-based): chr11:68,050,648, G>A. VCF-style: chr11-68050648-G-A. GRCh37 (hg19) VCF-style: chr11-67818115-G-A.
Other names: c.1504G>A, p.Ala502Thr (NM_001351059.2); c.1750G>A, p.Ala584Thr (NM_006053.4); c.2398G>A (NM_006019.3); short protein forms A800T, A502T, A584T.
Identifiers: ClinVar variation 2155372 (VCV002155372.6), dbSNP rs764312517, ClinGen allele CA6147519.

ClinVar aggregate classification (germline): Uncertain significance. Review status: criteria provided, multiple submitters, no conflicts (2 of 4 stars). 4 submissions from 4 submitters: Uncertain significance (4). Last evaluated 2025-12-03.

Conditions:
Autosomal recessive osteopetrosis 1. Also called: TCIRG1-Related Autosomal Recessive Osteopetrosis; ALBERS-SCHONBERG DISEASE, AUTOSOMAL RECESSIVE; TCIRG1-Related Osteopetrosis. Identifiers: Orphanet 667, MedGen C1850127, MONDO:0009815, OMIM 259700.
Inborn genetic diseases. Identifiers: MedGen C0950123, MeSH D030342.

Allele frequency attached by ClinVar (database versions not stated): gnomAD 0.00001; TOPMed 0.00001; gnomAD exomes 0.00004; ExAC 0.00006.
gnomAD v4.1: 52 of 1,613,320 alleles (0.0032%); highest among the groups gnomAD compares: South Asian, 0.051%; no homozygotes.

Submissions (4):

Labcorp Genetics (formerly Invitae), Labcorp
Classification: Uncertain significance. Last evaluated: 2025-12-03. Review status: criteria provided, single submitter. Criteria: Invitae Variant Classification Sherloc (09022015). Collection method: clinical testing. Allele origin: germline.
Comment: This sequence change replaces alanine, which is neutral and non-polar, with threonine, which is neutral and polar, at codon 800 of the TCIRG1 protein (p.Ala800Thr). This variant is present in population databases (rs764312517, gnomAD 0.06%). This variant has not been reported in the literature in individuals affected with TCIRG1-related conditions. ClinVar contains an entry for this variant (Variation ID: 2155372). Invitae Evidence Modeling of protein sequence and biophysical properties (such as structural, functional, and spatial information, amino acid conservation, physicochemical variation, residue mobility, and thermodynamic stability) indicates that this missense variant is not expected to disrupt TCIRG1 protein function with a negative predictive value of 80%. In summary, the available evidence is currently insufficient to determine the role of this variant in disease. Therefore, it has been classified as a Variant of Uncertain Significance.

Ambry Genetics
Classification: Uncertain significance for Inborn genetic diseases. Last evaluated: 2021-10-12. Review status: criteria provided, single submitter. Criteria: Ambry Variant Classification Scheme 2023. Collection method: clinical testing. Allele origin: germline.

Department of Pathology and Laboratory Medicine, Sinai Health System
Classification: Uncertain significance for Autosomal recessive osteopetrosis 1. Last evaluated: 2020-05-01. Review status: criteria provided, single submitter. Criteria: ACMG Guidelines, 2015. Collection method: research. Allele origin: germline.

Juno Genomics, Hangzhou Juno Genomics, Inc
Classification: Uncertain significance for Autosomal recessive osteopetrosis 1. Review status: criteria provided, single submitter. Criteria: ACMG Guidelines, 2015. Collection method: clinical testing. Allele origin: germline.
Comment: Absent from controls (or at extremely low frequency if recessive) in Genome Aggregation Database.;Multiple lines of computational evidence support a deleterious effect on the gene or gene product.